The following is an entry in ClinVar:

NM_001256317.3(TMPRSS3):c.953-1G>A

Gene: TMPRSS3 (transmembrane serine protease 3; minus strand). Cytogenetic location: 21q22.3.
Variant type: single nucleotide variant.
Coding change: c.953-1G>A on transcript NM_001256317.3 (MANE Select); the canonical splice acceptor site of the intron before coding-DNA position 953, G replaced by A.
Molecular consequence: splice acceptor variant.
Genome position (GRCh38, 1-based): chr21:42,380,213, C>T on the plus strand (G>A on the coding strand, the complement: TMPRSS3 is on the minus strand). VCF-style: chr21-42380213-C-T. GRCh37 (hg19) VCF-style: chr21-43800322-C-T.
Other names: c.953-1G>A (NM_024022.4); c.572-1G>A (NM_032404.3).
Identifiers: ClinVar variation 2801830 (VCV002801830.3), dbSNP rs2052503292, ClinGen allele CA410371067.

ClinVar aggregate classification (germline): Likely pathogenic (1 of 4 stars; one submission).

Allele frequency attached by ClinVar (database versions not stated): gnomAD exomes below 0.00001.
gnomAD v4.1: 2 of 1,612,770 alleles (0.00012%); highest among the groups gnomAD compares: Non-Finnish European, 0.00017%; no homozygotes.

Submission:

Labcorp Genetics (formerly Invitae), Labcorp
Classification: Likely pathogenic. Last evaluated: 2023-02-14. Review status: criteria provided, single submitter. Criteria: Invitae Variant Classification Sherloc (09022015). Collection method: clinical testing. Allele origin: germline.
Comment: In summary, the currently available evidence indicates that the variant is pathogenic, but additional data are needed to prove that conclusively. Therefore, this variant has been classified as Likely Pathogenic. Algorithms developed to predict the effect of sequence changes on RNA splicing suggest that this variant may disrupt the consensus splice site. This variant has not been reported in the literature in individuals affected with TMPRSS3-related conditions. This variant is not present in population databases (gnomAD no frequency). This sequence change affects an acceptor splice site in intron 9 of the TMPRSS3 gene. It is expected to disrupt RNA splicing. Variants that disrupt the donor or acceptor splice site typically lead to a loss of protein function (PMID: 16199547), and loss-of-function variants in TMPRSS3 are known to be pathogenic (PMID: 16021470, 26969326).

Literature cited by the submitters: PubMed 16199547; PubMed 16021470; PubMed 26969326.